The following is an entry in ClinVar:

NM_020800.3(IFT80):c.1883G>A (p.Arg628Gln)

Genes: TRIM59-IFT80 (TRIM59-IFT80 readthrough (NMD candidate); minus strand), IFT80 (intraflagellar transport 80; minus strand). Cytogenetic location: 3q25.33.
Variant type: single nucleotide variant.
Coding change: c.1883G>A on transcript NM_020800.3 (MANE Select); coding-DNA position 1883, G replaced by A.
Protein change: p.Arg628Gln; replaces arginine 628 with glutamine.
Molecular consequence: missense variant. On other transcripts: non-coding transcript variant (3).
Genome position (GRCh38, 1-based): chr3:160,277,624, C>T on the plus strand (G>A on the coding strand, the complement: IFT80 is on the minus strand). VCF-style: chr3-160277624-C-T. GRCh37 (hg19) VCF-style: chr3-159995412-C-T.
Other names: c.1472G>A, p.Arg491Gln (NM_001190241.2, NM_001190242.2); short protein forms R628Q, R491Q.
Identifiers: ClinVar variation 194779 (VCV000194779.16), dbSNP rs150370681, ClinGen allele CA240950.

ClinVar aggregate classification (germline): Uncertain significance. Review status: criteria provided, multiple submitters, no conflicts (2 of 4 stars). 6 submissions from 6 submitters: Uncertain significance (6). Last evaluated 2022-10-24.

Conditions:
Jeune thoracic dystrophy. Also called: Short-rib thoracic dysplasia; Jeune syndrome; Infantile thoracic dystrophy; Thoracic pelvic phalangeal dystrophy; Jeune's syndrome; Chondroectodermal dysplasia-like syndrome. Identifiers: Orphanet 474, MedGen C0265275, MONDO:0018770.
Asphyxiating thoracic dystrophy 2 (SRTD2). Also called: SHORT-RIB THORACIC DYSPLASIA 2 WITH OR WITHOUT POLYDACTYLY; SHORT-RIB THORACIC DYSPLASIA 2 WITH POLYDACTYLY; SHORT-RIB THORACIC DYSPLASIA 2 WITHOUT POLYDACTYLY. Identifiers: Orphanet 474, MedGen C1970005, MONDO:0012644, OMIM 611263.

Allele frequency attached by ClinVar (database versions not stated): ESP Exome Variant Server 0.00015; ExAC 0.00033; gnomAD exomes 0.00036 and 0.00044; gnomAD 0.00038 and 0.00039; 1000 Genomes Project 0.00040; 1000 Genomes Project 30x 0.00047; TOPMed 0.00058.
gnomAD v4.1: 699 of 1,613,656 alleles (0.043%); highest among the groups gnomAD compares: Admixed American, 0.083%; no homozygotes.

Submissions (6):

Labcorp Genetics (formerly Invitae), Labcorp
Classification: Uncertain significance for Jeune thoracic dystrophy. Last evaluated: 2022-10-24. Review status: criteria provided, single submitter. Criteria: Invitae Variant Classification Sherloc (09022015). Collection method: clinical testing. Allele origin: germline.
Comment: This sequence change replaces arginine, which is basic and polar, with glutamine, which is neutral and polar, at codon 628 of the IFT80 protein (p.Arg628Gln). This variant is present in population databases (rs150370681, gnomAD 0.07%). This variant has not been reported in the literature in individuals affected with IFT80-related conditions. ClinVar contains an entry for this variant (Variation ID: 194779). Advanced modeling of protein sequence and biophysical properties (such as structural, functional, and spatial information, amino acid conservation, physicochemical variation, residue mobility, and thermodynamic stability) performed at Invitae indicates that this missense variant is not expected to disrupt IFT80 protein function. In summary, the available evidence is currently insufficient to determine the role of this variant in disease. Therefore, it has been classified as a Variant of Uncertain Significance.

Department of Pathology and Laboratory Medicine, Sinai Health System
Classification: Uncertain significance for Asphyxiating thoracic dystrophy 2. Last evaluated: 2022-08-09. Review status: criteria provided, single submitter. Criteria: ACMG Guidelines, 2015. Collection method: research. Allele origin: germline.

GeneDx
Classification: Uncertain significance. Last evaluated: 2019-04-29. Review status: criteria provided, single submitter. Criteria: GeneDx Variant Classification Process June 2021. Collection method: clinical testing. Allele origin: germline. Affected: yes.
Comment: In silico analysis, which includes protein predictors and evolutionary conservation, supports that this variant does not alter protein structure/function; Has not been previously published as pathogenic or benign to our knowledge

Fulgent Genetics
Classification: Uncertain significance for Asphyxiating thoracic dystrophy 2. Last evaluated: 2018-10-31. Review status: criteria provided, single submitter. Criteria: ACMG Guidelines, 2015. Collection method: clinical testing. Allele origin: unknown.

Illumina Laboratory Services, Illumina
Classification: Uncertain significance for Asphyxiating thoracic dystrophy 2. Last evaluated: 2018-01-13. Review status: criteria provided, single submitter. Criteria: ICSL Variant Classification Criteria 13 December 2019. Collection method: clinical testing. Allele origin: germline.

Eurofins Ntd Llc (ga)
Classification: Uncertain significance. Last evaluated: 2015-02-06. Review status: criteria provided, single submitter. Criteria: EGL Classification Definitions 2015. Collection method: clinical testing. Allele origin: germline. Observed: 1 variant allele, 1 heterozygote.